The following is an entry in ClinVar:

NM_020964.3(EPG5):c.4581A>G (p.Leu1527=)

Gene: EPG5 (ectopic P-granules 5 autophagy tethering factor; minus strand). Cytogenetic location: 18q21.1.
Variant type: single nucleotide variant.
Coding change: c.4581A>G on transcript NM_020964.3 (MANE Select); coding-DNA position 4581, A replaced by G.
Protein change: p.Leu1527=; no amino-acid change (leucine 1527 retained).
Molecular consequence: synonymous variant.
Genome position (GRCh38, 1-based): chr18:45,901,061, T>C on the plus strand (A>G on the coding strand, the complement: EPG5 is on the minus strand). VCF-style: chr18-45901061-T-C. GRCh37 (hg19) VCF-style: chr18-43481026-T-C.
Identifiers: ClinVar variation 788179 (VCV000788179.28), dbSNP rs200617597, ClinGen allele CA8948814.

ClinVar aggregate classification (germline): Likely benign. Review status: criteria provided, multiple submitters, no conflicts (2 of 4 stars). 5 submissions from 5 submitters: Likely benign (5). Last evaluated 2026-02-01.

Conditions:
Vici syndrome (VICIS). Identifiers: Orphanet 1493, MedGen C1855772, MONDO:0009452, OMIM 242840.

Allele frequency attached by ClinVar (database versions not stated): 1000 Genomes Project 30x 0.00047; gnomAD exomes 0.00055 and 0.00126; ExAC 0.00057; 1000 Genomes Project 0.00060; TOPMed 0.00064; gnomAD 0.00073 and 0.00074; ESP Exome Variant Server 0.00126.
gnomAD v4.1: 1,927 of 1,614,126 alleles (0.12%); highest among the groups gnomAD compares: Non-Finnish European, 0.15%; 1 homozygote.

Submissions (5):

Labcorp Genetics (formerly Invitae), Labcorp
Classification: Likely benign for Vici syndrome. Last evaluated: 2026-02-01. Review status: criteria provided, single submitter. Criteria: Invitae Variant Classification Sherloc (09022015). Collection method: clinical testing. Allele origin: germline.

Women's Health and Genetics/Laboratory Corporation of America, LabCorp
Classification: Likely benign. Last evaluated: 2025-03-04. Review status: criteria provided, single submitter. Criteria: LabCorp Variant Classification Summary - May 2015. Collection method: clinical testing. Allele origin: germline.

CeGaT Center for Human Genetics Tuebingen
Classification: Likely benign. Last evaluated: 2025-02-01. Review status: criteria provided, single submitter. Criteria: CeGaT Center For Human Genetics Tuebingen Variant Classification Criteria Version 2. Collection method: clinical testing. Allele origin: germline. Affected: yes. Observed: 2 variant alleles.
Comment: EPG5: BP4, BP7

Blueprint Genetics
Classification: Likely benign. Last evaluated: 2024-10-02. Review status: criteria provided, single submitter. Criteria: ACMG Guidelines, 2015. Collection method: clinical testing. Allele origin: germline.

Breakthrough Genomics
Classification: Likely benign. Review status: criteria provided, single submitter. Criteria: ACMG Guidelines, 2015. Collection method: not provided. Allele origin: germline. Inheritance: Autosomal recessive inheritance. Affected: yes.